The following is an entry in ClinVar:

NM_000275.3(OCA2):c.1884_1885del (p.Leu630fs)

Gene: OCA2 (OCA2 melanosomal transmembrane protein; minus strand). Cytogenetic location: 15q13.1.
Variant type: Deletion.
Coding change: c.1884_1885del on transcript NM_000275.3 (MANE Select); coding-DNA positions 1884 to 1885, 2 bases deleted (AG; older notation c.1884_1885delAG).
Protein change: p.Leu630fs; shifts the reading frame from leucine 630.
Molecular consequence: frameshift variant.
Genome position (GRCh38, 1-based): chr15:27,951,850-27,951,851, CT deleted on the plus strand (AG on the coding strand, the reverse complement: OCA2 is on the minus strand). VCF-style (leftmost placement, unchanged base first): chr15-27951849-ACT-A. GRCh37 (hg19) VCF-style: chr15-28196995-ACT-A.
Other names: c.1812_1813del, p.Leu606fs (NM_001300984.2); short protein forms L606fs, L630fs.
Identifiers: ClinVar variation 5014736 (VCV005014736.1).

ClinVar aggregate classification (germline): Pathogenic (1 of 4 stars; one submission).

Conditions:
Tyrosinase-positive oculocutaneous albinism (OCA2). Also called: ALBINISM II; Oculocutaneous albinism type 2; Albinism, oculocutaneous, type II. Identifiers: Orphanet 79432, MedGen C0268495, MONDO:0008746, OMIM 203200.

Submission:

Myriad Genetics, Inc.
Classification: Pathogenic for Tyrosinase-positive oculocutaneous albinism. Last evaluated: 2025-07-15. Review status: criteria provided, single submitter. Criteria: Myriad Autosomal Dominant, Autosomal Recessive and X-Linked Classification Criteria (2023). Collection method: clinical testing. Allele origin: unknown.
Comment: NM_000275.2(OCA2):c.1884_1885delAG(L630Gfs*19) is expected to be pathogenic in the context of oculocutaneous albinism, OCA2-related. This variant is predicted to lead to an abnormal or absent protein product due to the creation of a premature termination codon in OCA2, a gene where loss-of-function variants are known to be pathogenic. Please note: this variant was assessed in the context of healthy population screening.